The following is an entry in ClinVar:

NM_001429.4(EP300):c.6034A>G (p.Arg2012Gly)

Gene: EP300 (EP300 lysine acetyltransferase; plus strand). Cytogenetic location: 22q13.2.
Variant type: single nucleotide variant.
Coding change: c.6034A>G on transcript NM_001429.4 (MANE Select); coding-DNA position 6034, A replaced by G.
Protein change: p.Arg2012Gly; replaces arginine 2012 with glycine.
Molecular consequence: missense variant.
Genome position (GRCh38, 1-based): chr22:41,177,745, A>G. VCF-style: chr22-41177745-A-G. GRCh37 (hg19) VCF-style: chr22-41573749-A-G.
Other names: c.5956A>G, p.Arg1986Gly (NM_001362843.2); short protein forms R1986G, R2012G.
Identifiers: ClinVar variation 3630571 (VCV003630571.2).

ClinVar aggregate classification (germline): Uncertain significance (1 of 4 stars; one submission).

Conditions:
Rubinstein-Taybi syndrome due to EP300 haploinsufficiency. Also called: EP300-Related Rubinstein-Taybi Syndrome; RUBINSTEIN-TAYBI SYNDROME 2. Identifiers: Orphanet 353284, Orphanet 783, MedGen C3150941, MONDO:0013364, OMIM 613684.

gnomAD v4.1: 3 of 1,613,910 alleles (0.00019%); highest among the groups gnomAD compares: Non-Finnish European, 0.00025%; no homozygotes.

Submission:

Labcorp Genetics (formerly Invitae), Labcorp
Classification: Uncertain significance for Rubinstein-Taybi syndrome due to EP300 haploinsufficiency. Last evaluated: 2025-07-31. Review status: criteria provided, single submitter. Criteria: Invitae Variant Classification Sherloc (09022015). Collection method: clinical testing. Allele origin: germline.
Comment: This sequence change replaces arginine, which is basic and polar, with glycine, which is neutral and non-polar, at codon 2012 of the EP300 protein (p.Arg2012Gly). This variant is present in population databases (no rsID available, gnomAD 0.0009%). This variant has not been reported in the literature in individuals affected with EP300-related conditions. ClinVar contains an entry for this variant (Variation ID: 3630571). Invitae Evidence Modeling of protein sequence and biophysical properties (such as structural, functional, and spatial information, amino acid conservation, physicochemical variation, residue mobility, and thermodynamic stability) indicates that this missense variant is not expected to disrupt EP300 protein function with a negative predictive value of 80%. In summary, the available evidence is currently insufficient to determine the role of this variant in disease. Therefore, it has been classified as a Variant of Uncertain Significance.